The following is an entry in ClinVar:

NM_006204.4(PDE6C):c.1936-9A>G

Gene: PDE6C (phosphodiesterase 6C; plus strand). Cytogenetic location: 10q23.33.
Variant type: single nucleotide variant.
Coding change: c.1936-9A>G on transcript NM_006204.4 (MANE Select); 9 bases into the intron before coding-DNA position 1936, A replaced by G.
Molecular consequence: intron variant.
Genome position (GRCh38, 1-based): chr10:93,655,751, A>G. VCF-style: chr10-93655751-A-G. GRCh37 (hg19) VCF-style: chr10-95415508-A-G.
Identifiers: ClinVar variation 285270 (VCV000285270.19), dbSNP rs182445749, ClinGen allele CA5610351.
Genomic context (GRCh38, chr10:93,655,751, plus strand): 5'-TTAAGCATAGTTTCATTTGTTCAGAGGCAAATTATTGATAGCATTTTATTGTGAATTTTC[A>G]TCTTACAGAGTTTAAACATCTTCCAGAACCTAAATAAGCGGCAGTTTGAAACAGTTATTC-3'

ClinVar aggregate classification (germline): Benign/Likely benign. Review status: criteria provided, multiple submitters, no conflicts (2 of 4 stars). 5 submissions from 4 submitters: Benign (2); Likely benign (3). Last evaluated 2026-01-27.

Conditions:
Achromatopsia. Also called: Rod monochromatism. Identifiers: Orphanet 49382, MedGen C0152200, MONDO:0018852, HP:0011516.
Cone dystrophy 4 (COD4). Identifiers: Orphanet 49382, MedGen C2751308, MONDO:0013129, OMIM 613093.

Allele frequency attached by ClinVar (database versions not stated): 1000 Genomes Project 30x 0.00234; 1000 Genomes Project 0.00280; gnomAD 0.00536 and 0.00541; TOPMed 0.00590; ExAC 0.00603; ESP Exome Variant Server 0.00615; gnomAD exomes 0.00627 and 0.00710.
gnomAD v4.1: 10,004 of 1,438,628 alleles (0.7%); highest among the groups gnomAD compares: Middle Eastern, 1.8%; 61 homozygotes.

Submissions (5):

Labcorp Genetics (formerly Invitae), Labcorp
Classification: Benign. Last evaluated: 2026-01-27. Review status: criteria provided, single submitter. Criteria: Invitae Variant Classification Sherloc (09022015). Collection method: clinical testing. Allele origin: germline.

Illumina Laboratory Services, Illumina
Classification: Likely benign for Cone dystrophy 4. Last evaluated: 2018-01-12. Review status: criteria provided, single submitter. Criteria: ICSL Variant Classification Criteria 13 December 2019. Collection method: clinical testing. Allele origin: germline.
Comment: This variant was observed in the ICSL laboratory as part of a predisposition screen in an ostensibly healthy population. It had not been previously curated by ICSL or reported in the Human Gene Mutation Database (HGMD: prior to June 1st, 2018), and was therefore a candidate for classification through an automated scoring system. Utilizing variant allele frequency, disease prevalence and penetrance estimates, and inheritance mode, an automated score was calculated to assess if this variant is too frequent to cause the disease. Based on the score and internal cut-off values, a variant classified as likely benign is not then subjected to further curation. The score for this variant resulted in a classification of likely benign for this disease.

Illumina Laboratory Services, Illumina
Classification: Likely benign for Achromatopsia. Last evaluated: 2018-01-12. Review status: criteria provided, single submitter. Criteria: ICSL Variant Classification Criteria 13 December 2019. Collection method: clinical testing. Allele origin: germline.
Comment: the same text as in the submission from Illumina Laboratory Services, Illumina above.

Eurofins Ntd Llc (ga)
Classification: Benign. Last evaluated: 2016-01-27. Review status: criteria provided, single submitter. Criteria: EGL Classification Definitions 2015. Collection method: clinical testing. Allele origin: germline. Observed: 1 variant allele, 1 heterozygote.

Breakthrough Genomics
Classification: Likely benign. Review status: criteria provided, single submitter. Criteria: ACMG Guidelines, 2015. Collection method: not provided. Allele origin: germline. Inheritance: Autosomal recessive inheritance. Affected: yes.